The following is an entry in ClinVar:

ClinVar aggregate classification (germline): Benign/Likely benign. Review status: criteria provided, multiple submitters, no conflicts (2 of 4 stars). 3 submissions from 3 submitters: Benign (1); Likely benign (2). Last evaluated 2025-12-31.

Conditions:
Hereditary cancer-predisposing syndrome. Also called: Hereditary neoplastic syndrome; Tumor predisposition; Neoplastic Syndromes, Hereditary; Hereditary Cancer Syndrome. Identifiers: Orphanet 140162, MedGen C0027672, MeSH D009386, MONDO:0015356.
Peutz-Jeghers syndrome (PJS). Also called: POLYPOSIS, HAMARTOMATOUS INTESTINAL; POLYPS-AND-SPOTS SYNDROME; Peutz-Jeghers polyposis; Periorificial lentiginosis syndrome. Identifiers: Orphanet 2869, MedGen C0031269, MeSH D010580, MONDO:0008280, OMIM 175200.

gnomAD v4.1: 9 of 1,585,524 alleles (0.00057%); highest among the groups gnomAD compares: Non-Finnish European, 0.00077%; no homozygotes.

Submissions (3):

Labcorp Genetics (formerly Invitae), Labcorp
Classification: Likely benign for Peutz-Jeghers syndrome. Last evaluated: 2025-12-31. Review status: criteria provided, single submitter. Criteria: Invitae Variant Classification Sherloc (09022015). Collection method: clinical testing. Allele origin: germline.

Myriad Genetics, Inc.
Classification: Benign for Peutz-Jeghers syndrome. Last evaluated: 2025-03-24. Review status: criteria provided, single submitter. Criteria: Myriad Autosomal Dominant, Autosomal Recessive and X-Linked Classification Criteria (2023). Collection method: clinical testing. Allele origin: unknown.
Comment: This variant is considered benign. This variant is a silent/synonymous amino acid change and it is not expected to impact splicing.

Ambry Genetics
Classification: Likely benign for Hereditary cancer-predisposing syndrome. Last evaluated: 2023-02-03. Review status: criteria provided, single submitter. Criteria: Ambry Variant Classification Scheme 2023. Collection method: clinical testing. Allele origin: germline.

NM_000455.5(STK11):c.12G>C (p.Val4=)

Gene: STK11 (serine/threonine kinase 11; plus strand). Cytogenetic location: 19p13.3.
Variant type: single nucleotide variant.
Coding change: c.12G>C on transcript NM_000455.5 (MANE Select); coding-DNA position 12, G replaced by C.
Protein change: p.Val4=; no amino-acid change (valine 4 retained).
Molecular consequence: synonymous variant. On other transcripts: non-coding transcript variant (1).
Genome position (GRCh38, 1-based): chr19:1,206,925, G>C. VCF-style: chr19-1206925-G-C. GRCh37 (hg19) VCF-style: chr19-1206924-G-C.
Other names: c.12G>C, p.Val4= (NM_001407255.1).
Identifiers: ClinVar variation 2451999 (VCV002451999.4), dbSNP rs1379886566, ClinGen allele CA504706066.
Genomic context (GRCh38, chr19:1,206,925, plus strand): 5'-ACCCGCGGACTCAGGGCTGGCGGCGGGACTCCAGGACCCTGGGTCCAGCATGGAGGTGGT[G>C]GACCCGCAGCAGCTGGGCATGTTCACGGAGGGCGAGCTGATGTCGGTGGGTATGGACACG-3'
Protein context (NP_000446.1, residues 1-14): MEV[Val4=]DPQQLGMFTE